The following is an entry in ClinVar:

ClinVar aggregate classification (germline): Uncertain significance (1 of 4 stars; one submission).

Conditions:
Fanconi anemia (FA). Also called: Fanconi's anemia. Identifiers: Orphanet 84, MedGen C0015625, MeSH D005199, MONDO:0019391.

Allele frequency attached by ClinVar (database versions not stated): gnomAD exomes 0.00001.

Submission:

Labcorp Genetics (formerly Invitae), Labcorp
Classification: Uncertain significance for Fanconi anemia. Last evaluated: 2023-07-08. Review status: criteria provided, single submitter. Criteria: Invitae Variant Classification Sherloc (09022015). Collection method: clinical testing. Allele origin: germline.
Comment: ClinVar contains an entry for this variant (Variation ID: 582442). This variant has not been reported in the literature in individuals affected with FANCB-related conditions. This variant is present in population databases (no rsID available, gnomAD 0.005%), including at least one homozygous and/or hemizygous individual. This sequence change replaces threonine, which is neutral and polar, with isoleucine, which is neutral and non-polar, at codon 706 of the FANCB protein (p.Thr706Ile). In summary, the available evidence is currently insufficient to determine the role of this variant in disease. Therefore, it has been classified as a Variant of Uncertain Significance. Advanced modeling of protein sequence and biophysical properties (such as structural, functional, and spatial information, amino acid conservation, physicochemical variation, residue mobility, and thermodynamic stability) performed at Invitae indicates that this missense variant is not expected to disrupt FANCB protein function.

NM_001018113.3(FANCB):c.2117C>T (p.Thr706Ile)

Gene: FANCB (FA complementation group B; minus strand). Cytogenetic location: Xp22.2.
Variant type: single nucleotide variant.
Coding change: c.2117C>T on transcript NM_001018113.3 (MANE Select); coding-DNA position 2117, C replaced by T.
Protein change: p.Thr706Ile; replaces threonine 706 with isoleucine.
Molecular consequence: missense variant.
Genome position (GRCh38, 1-based): chrX:14,844,551, G>A on the plus strand (C>T on the coding strand, the complement: FANCB is on the minus strand). VCF-style: chrX-14844551-G-A. GRCh37 (hg19) VCF-style: chrX-14862673-G-A.
Other names: c.2117C>T, p.Thr706Ile (NM_001324162.2, NM_152633.4); short protein forms T706I.
Identifiers: ClinVar variation 582442 (VCV000582442.8), dbSNP rs1278850689, ClinGen allele CA412438293.